The following is an entry in ClinVar:

NM_005633.4(SOS1):c.1630_1633delinsAAAA (p.Leu544_Gln545delinsLysLys)

Gene: SOS1 (SOS Ras/Rac guanine nucleotide exchange factor 1; minus strand). Cytogenetic location: 2p22.1.
Variant type: Indel.
Coding change: c.1630_1633delinsAAAA on transcript NM_005633.4 (MANE Select); coding-DNA positions 1630 to 1633, TTAC replaced by AAAA.
Protein change: p.Leu544_Gln545delinsLysLys.
Molecular consequence: missense variant.
Genome position (GRCh38, 1-based): chr2:39,022,795-39,022,798, GTAA replaced by TTTT on the plus strand (TTAC replaced by AAAA on the coding strand, the reverse complement: SOS1 is on the minus strand). VCF-style: chr2-39022795-GTAA-TTTT. GRCh37 (hg19) VCF-style: chr2-39249936-GTAA-TTTT.
Other names: c.1609_1612delinsAAAA, p.Leu537_Gln538delinsLysLys (NM_001382394.1); c.1630_1633delinsAAAA, p.Leu544_Gln545delinsLysLys (NM_001382395.1).
Identifiers: ClinVar variation 1697023 (VCV001697023.2), dbSNP rs2124536829, ClinGen allele CA2580066438.

ClinVar aggregate classification (germline): Uncertain significance (1 of 4 stars; one submission).

Submission:

GeneDx
Classification: Uncertain significance. Last evaluated: 2022-01-12. Review status: criteria provided, single submitter. Criteria: GeneDx Variant Classification Process June 2021. Collection method: clinical testing. Allele origin: germline. Affected: yes.
Comment: Not observed at significant frequency in large population cohorts (gnomAD); Missense variants in this gene are often considered pathogenic (HGMD); In silico analysis supports a deleterious effect on protein structure/function; Has not been previously published as pathogenic or benign to our knowledge